The following is an entry in ClinVar:

NM_002439.5(MSH3):c.1569-11T>G

Gene: MSH3 (mutS homolog 3; plus strand). Cytogenetic location: 5q14.1.
Variant type: single nucleotide variant.
Coding change: c.1569-11T>G on transcript NM_002439.5 (MANE Select); 11 bases into the intron before coding-DNA position 1569, T replaced by G.
Molecular consequence: intron variant.
Genome position (GRCh38, 1-based): chr5:80,741,453, T>G. VCF-style: chr5-80741453-T-G. GRCh37 (hg19) VCF-style: chr5-80037272-T-G.
Identifiers: ClinVar variation 4729330 (VCV004729330.1).
Genomic context (GRCh38, chr5:80,741,453, plus strand): 5'-TAGTTCCTGAATTAGTTTTTTATTTCTTTATGCACTTACATCTAGGCTAATTATATTTGA[T>G]TCTTTTACAGGAATTTTAAACAGCTATCAAGTAAAATGGAATTTATGACAATTAATGGAA-3'

ClinVar aggregate classification (germline): Uncertain significance (1 of 4 stars; one submission).

Submission:

Labcorp Genetics (formerly Invitae), Labcorp
Classification: Uncertain significance. Last evaluated: 2025-10-16. Review status: criteria provided, single submitter. Criteria: Invitae Variant Classification Sherloc (09022015). Collection method: clinical testing. Allele origin: germline.
Comment: This sequence change falls in intron 10 of the MSH3 gene. It does not directly change the encoded amino acid sequence of the MSH3 protein. This variant is not present in population databases (gnomAD no frequency). This variant has not been reported in the literature in individuals affected with MSH3-related conditions. Studies have shown that this variant is associated with altered splicing resulting in multiple RNA products (internal data). In summary, the available evidence is currently insufficient to determine the role of this variant in disease. Therefore, it has been classified as a Variant of Uncertain Significance.